The following is an entry in ClinVar:

ClinVar aggregate classification (germline): Uncertain significance (1 of 4 stars; one submission).

Conditions:
Hypertrophic cardiomyopathy 14. Identifiers: MedGen C2750467, MONDO:0013197, OMIM 613251.

Submission:

3billion
Classification: Uncertain significance for Hypertrophic cardiomyopathy 14. Last evaluated: 2023-11-30. Review status: criteria provided, single submitter. Criteria: ACMG Guidelines, 2015. Collection method: clinical testing. Allele origin: germline. Affected: yes.
Comment: The variant is observed at an extremely low frequency in the gnomAD v2.1.1 dataset (total allele frequency: <0.001%). Predicted Consequence/Location: Frameshift: predicted to result in a loss or disruption of normal protein function through nonsense-mediated decay (NMD) or protein truncation. However, loss-of-function (LoF) variants are not yet established to be disease-causing for this gene. The variant has been reported to be associated with MYH6-related disorder (3billion dataset). However, the evidence of pathogenicity is insufficient at this time. Therefore, this variant is classified as uncertain significance according to the recommendation of ACMG/AMP guideline.

NM_002471.4(MYH6):c.3568_3572del (p.Thr1190fs)

Gene: MYH6 (myosin heavy chain 6; minus strand). Cytogenetic location: 14q11.2.
Variant type: Deletion.
Coding change: c.3568_3572del on transcript NM_002471.4 (MANE Select); coding-DNA positions 3568 to 3572, 5 bases deleted (ACTGC; older notation c.3568_3572delACTGC).
Protein change: p.Thr1190fs; shifts the reading frame from threonine 1190.
Molecular consequence: frameshift variant.
Genome position (GRCh38, 1-based): chr14:23,390,217-23,390,221, GCAGT deleted on the plus strand (ACTGC on the coding strand, the reverse complement: MYH6 is on the minus strand); deleting any 5 consecutive bases within chr14:23,390,217-23,390,222 gives the same sequence; the c. name uses the placement nearest the transcript's 3' end. VCF-style (leftmost placement, unchanged base first): chr14-23390216-GGCAGT-G. GRCh37 (hg19) VCF-style: chr14-23859425-GGCAGT-G.
Other names: short protein forms T1190fs.
Identifiers: ClinVar variation 2444283 (VCV002444283.4), dbSNP rs757201702, ClinGen allele CA7115140.
Genomic context (GRCh38, chr14:23,390,216, plus strand): 5'-GTTGTCGATCTGCTCGCCCAGCTCGGCCACGCTGTCGGCGTGCTTCTTGCGCAGGGCCGC[GGCAGT>G]GGCCTCGTGCTGCAGCGTGGCCTCCTCCAGGTCCCGCCGCATCTTCTGGAACTCGGCCTC-3'